The following is an entry in ClinVar:

ClinVar aggregate classification (germline): Likely benign. Review status: criteria provided, multiple submitters, no conflicts (2 of 4 stars). 4 submissions from 4 submitters: Likely benign (4). Last evaluated 2024-05-21.

Conditions:
Leukoencephalopathy with brain stem and spinal cord involvement-high lactate syndrome (LBSL). Also called: MITOCHONDRIAL ASPARTYL-tRNA SYNTHETASE DEFICIENCY; Leukoencephalopathy with Brainstem and Spinal Cord Involvement and Lactate Elevation; LEUKOENCEPHALOPATHY WITH BRAINSTEM AND SPINAL CORD INVOLVEMENT AND LACTATE ELEVATION, MILD. Identifiers: Orphanet 137898, MedGen C1970180, MONDO:0012622, OMIM 611105.

Allele frequency attached by ClinVar (database versions not stated): gnomAD exomes below 0.00001 and 0.00001; gnomAD 0.00001; TOPMed 0.00001; ExAC 0.00002.
gnomAD v4.1: 23 of 1,614,056 alleles (0.0014%); highest among the groups gnomAD compares: East Asian, 0.0022%; no homozygotes.

Submissions (4):

Blueprint Genetics
Classification: Likely benign. Last evaluated: 2024-05-21. Review status: criteria provided, single submitter. Criteria: ACMG Guidelines, 2015. Collection method: clinical testing. Allele origin: germline.

Genome-Nilou Lab
Classification: Likely benign for Leukoencephalopathy with brain stem and spinal cord involvement-high lactate syndrome. Last evaluated: 2023-04-11. Review status: criteria provided, single submitter. Criteria: ACMG Guidelines, 2015. Collection method: clinical testing. Allele origin: germline. Affected: no.

GeneDx
Classification: Likely benign. Last evaluated: 2018-05-17. Review status: criteria provided, single submitter. Criteria: GeneDx Variant Classification (06012015). Collection method: clinical testing. Allele origin: germline. Affected: yes.
Comment: This variant is considered likely benign or benign based on one or more of the following criteria: it is a conservative change, it occurs at a poorly conserved position in the protein, it is predicted to be benign by multiple in silico algorithms, and/or has population frequency not consistent with disease.

Labcorp Genetics (formerly Invitae), Labcorp
Classification: Likely benign. Last evaluated: 2017-11-10. Review status: criteria provided, single submitter. Criteria: Invitae Variant Classification Sherloc (09022015). Collection method: clinical testing. Allele origin: germline.

NM_018122.5(DARS2):c.939T>G (p.Val313=)

Gene: DARS2 (aspartyl-tRNA synthetase 2, mitochondrial; plus strand). Cytogenetic location: 1q25.1.
Variant type: single nucleotide variant.
Coding change: c.939T>G on transcript NM_018122.5 (MANE Select); coding-DNA position 939, T replaced by G.
Protein change: p.Val313=; no amino-acid change (valine 313 retained).
Molecular consequence: synonymous variant.
Genome position (GRCh38, 1-based): chr1:173,839,465, T>G. VCF-style: chr1-173839465-T-G. GRCh37 (hg19) VCF-style: chr1-173808603-T-G.
Other names: c.939T>G, p.Val313= (NM_001365212.1, NM_001365213.2).
Identifiers: ClinVar variation 682542 (VCV000682542.6), dbSNP rs777837584, ClinGen allele CA1250276.